The following is an entry in ClinVar:

ClinVar aggregate classification (germline): Likely benign (0 of 4 stars; one submission).

Conditions:
SLC5A6-related disorder.

gnomAD v4.1: 180 of 1,614,132 alleles (0.011%); highest among the groups gnomAD compares: East Asian, 0.16%; no homozygotes.

Submission:

PreventionGenetics, part of Exact Sciences
Classification: Likely benign for SLC5A6-related condition. Last evaluated: 2024-06-02. Review status: no assertion criteria provided. Collection method: clinical testing. Allele origin: germline.
Comment: This variant is classified as likely benign based on ACMG/AMP sequence variant interpretation guidelines (Richards et al. 2015 PMID: 25741868, with internal and published modifications).

NM_021095.4(SLC5A6):c.1393G>A (p.Val465Ile)

Gene: SLC5A6 (solute carrier family 5 member 6; minus strand). Cytogenetic location: 2p23.3.
Variant type: single nucleotide variant.
Coding change: c.1393G>A on transcript NM_021095.4 (MANE Select); coding-DNA position 1393, G replaced by A.
Protein change: p.Val465Ile; replaces valine 465 with isoleucine.
Molecular consequence: missense variant. On other transcripts: non-coding transcript variant (1).
Genome position (GRCh38, 1-based): chr2:27,201,817, C>T on the plus strand (G>A on the coding strand, the complement: SLC5A6 is on the minus strand). VCF-style: chr2-27201817-C-T. GRCh37 (hg19) VCF-style: chr2-27424685-C-T.
Other names: short protein forms V465I.
Identifiers: ClinVar variation 3351305 (VCV003351305.1).